The following is an entry in ClinVar:

ClinVar aggregate classification (germline): Pathogenic (1 of 4 stars; one submission).

Submission:

Labcorp Genetics (formerly Invitae), Labcorp
Classification: Pathogenic. Last evaluated: 2022-07-25. Review status: criteria provided, single submitter. Criteria: Invitae Variant Classification Sherloc (09022015). Collection method: clinical testing. Allele origin: germline.
Comment: This sequence change creates a premature translational stop signal (p.Pro1856Glnfs*8) in the TRPM6 gene. It is expected to result in an absent or disrupted protein product. Loss-of-function variants in TRPM6 are known to be pathogenic (PMID: 16107578). This variant is not present in population databases (gnomAD no frequency). This variant has not been reported in the literature in individuals affected with TRPM6-related conditions. ClinVar contains an entry for this variant (Variation ID: 1433687). For these reasons, this variant has been classified as Pathogenic.

Literature cited by the submitters: PubMed 16107578.

NM_017662.5(TRPM6):c.5567del (p.Pro1856fs)

Gene: TRPM6 (transient receptor potential cation channel subfamily M member 6; minus strand). Cytogenetic location: 9q21.13.
Variant type: Deletion.
Coding change: c.5567del on transcript NM_017662.5 (MANE Select); coding-DNA position 5567, one base deleted (C; older notation c.5567delC).
Protein change: p.Pro1856fs; shifts the reading frame from proline 1856.
Molecular consequence: frameshift variant.
Genome position (GRCh38, 1-based): chr9:74,739,370, G deleted on the plus strand (C on the coding strand, the reverse complement: TRPM6 is on the minus strand); the first of 2 consecutive G bases (chr9:74,739,370-74,739,371); deleting either gives the same sequence. VCF-style (leftmost placement, unchanged base first): chr9-74739369-TG-T. GRCh37 (hg19) VCF-style: chr9-77354285-TG-T.
Other names: c.5552del, p.Pro1851fs (NM_001177310.2, NM_001177311.2); short protein forms P1851fs, P1856fs.
Identifiers: ClinVar variation 1433687 (VCV001433687.6), dbSNP rs2118734279, ClinGen allele CA2573144751.